The following is an entry in ClinVar:

NM_000094.4(COL7A1):c.6572C>G (p.Pro2191Arg)

Gene: COL7A1 (collagen type VII alpha 1 chain; minus strand). Cytogenetic location: 3p21.31.
Variant type: single nucleotide variant.
Coding change: c.6572C>G on transcript NM_000094.4 (MANE Select); coding-DNA position 6572, C replaced by G.
Protein change: p.Pro2191Arg; replaces proline 2191 with arginine.
Molecular consequence: missense variant.
Genome position (GRCh38, 1-based): chr3:48,573,691, G>C on the plus strand (C>G on the coding strand, the complement: COL7A1 is on the minus strand). VCF-style: chr3-48573691-G-C. GRCh37 (hg19) VCF-style: chr3-48611124-G-C.
Other names: short protein forms P2191R.
Identifiers: ClinVar variation 4703643 (VCV004703643.2).

ClinVar aggregate classification (germline): Uncertain significance. Review status: criteria provided, multiple submitters, no conflicts (2 of 4 stars). 2 submissions from 2 submitters: Uncertain significance (2). Last evaluated 2026-05-21.

Conditions:
COL7A1-related disorder. Also called: COL7A1-related condition; COL7A1- related disorders.

gnomAD v4.1: 6 of 1,612,850 alleles (0.00037%); highest among the groups gnomAD compares: Non-Finnish European, 0.00051%; no homozygotes.

Submissions (2):

PreventionGenetics, part of Exact Sciences
Classification: Uncertain significance for COL7A1-related condition. Last evaluated: 2026-05-21. Review status: criteria provided, single submitter. Criteria: ACMG Guidelines, 2015. Collection method: clinical testing. Allele origin: germline.
Comment: The COL7A1 c.6572C>G variant is predicted to result in the amino acid substitution p.Pro2191Arg. To our knowledge, this variant has not been reported in the literature. This variant is reported in 0.00089% of alleles in individuals of European (Non-Finnish) descent in gnomAD. At this time, the clinical significance of this variant is uncertain due to the absence of conclusive functional and genetic evidence.

Labcorp Genetics (formerly Invitae), Labcorp
Classification: Uncertain significance. Last evaluated: 2025-08-15. Review status: criteria provided, single submitter. Criteria: Invitae Variant Classification Sherloc (09022015). Collection method: clinical testing. Allele origin: germline.
Comment: This sequence change replaces proline, which is neutral and non-polar, with arginine, which is basic and polar, at codon 2191 of the COL7A1 protein (p.Pro2191Arg). This variant is present in population databases (rs140543032, gnomAD 0.0009%). This variant has not been reported in the literature in individuals affected with COL7A1-related conditions. Invitae Evidence Modeling of protein sequence and biophysical properties (such as structural, functional, and spatial information, amino acid conservation, physicochemical variation, residue mobility, and thermodynamic stability) has been performed for this missense variant. However, the output from this modeling did not meet the statistical confidence thresholds required to predict the impact of this variant on COL7A1 protein function. In summary, the available evidence is currently insufficient to determine the role of this variant in disease. Therefore, it has been classified as a Variant of Uncertain Significance.